The following is an entry in ClinVar:

NM_000049.4(ASPA):c.731A>T (p.His244Leu)

Genes: ASPA (aspartoacylase; plus strand), SPATA22 (spermatogenesis associated 22; minus strand). Cytogenetic location: 17p13.2.
Variant type: single nucleotide variant.
Coding change: c.731A>T on transcript NM_000049.4 (MANE Select); coding-DNA position 731, A replaced by T.
Protein change: p.His244Leu; replaces histidine 244 with leucine.
Molecular consequence: missense variant. On other transcripts: intron variant (2).
Genome position (GRCh38, 1-based): chr17:3,494,446, A>T. VCF-style: chr17-3494446-A-T. GRCh37 (hg19) VCF-style: chr17-3397740-A-T.
Other names: c.731A>T, p.His244Leu (NM_001128085.1); c.-74+18966T>A (NM_001321336.2, NM_001321337.2); short protein forms H244L.
Identifiers: ClinVar variation 2429145 (VCV002429145.3), dbSNP rs1057516995, ClinGen allele CA397686327.

ClinVar aggregate classification (germline): Conflicting classifications of pathogenicity. Review status: criteria provided, conflicting classifications (1 of 4 stars). 5 submissions from 5 submitters: Likely pathogenic (4); Uncertain significance (1). Last evaluated 2025-11-26.

Conditions:
Spongy degeneration of central nervous system. Also called: ACY2 DEFICIENCY; AMINOACYLASE 2 DEFICIENCY; ASP DEFICIENCY; ASPA DEFICIENCY; ASPARTOACYLASE DEFICIENCY; CANAVAN-VAN BOGAERT-BERTRAND DISEASE. Identifiers: Orphanet 141, MedGen C0206307, MONDO:0010079, OMIM 271900.

gnomAD v4.1: 3 of 1,604,164 alleles (0.00019%); highest among the groups gnomAD compares: Non-Finnish European, 0.00026%; no homozygotes.

Submissions (5):

Labcorp Genetics (formerly Invitae), Labcorp
Classification: Likely pathogenic for Spongy degeneration of central nervous system. Last evaluated: 2025-11-26. Review status: criteria provided, single submitter. Criteria: Invitae Variant Classification Sherloc (09022015). Collection method: clinical testing. Allele origin: germline.
Comment: This sequence change replaces histidine, which is basic and polar, with leucine, which is neutral and non-polar, at codon 244 of the ASPA protein (p.His244Leu). This variant is not present in population databases (gnomAD no frequency). This missense change has been observed in individual(s) with clinical features of Canavan disease (PMID: 16854607). ClinVar contains an entry for this variant (Variation ID: 2429145). Invitae Evidence Modeling of protein sequence and biophysical properties (such as structural, functional, and spatial information, amino acid conservation, physicochemical variation, residue mobility, and thermodynamic stability) indicates that this missense variant is expected to disrupt ASPA protein function with a positive predictive value of 95%. This variant disrupts the p.His244 amino acid residue in ASPA. Other variant(s) that disrupt this residue have been determined to be pathogenic (PMID: 12638939, 16854607). This suggests that this residue is clinically significant, and that variants that disrupt this residue are likely to be disease-causing. In summary, the currently available evidence indicates that the variant is pathogenic, but additional data are needed to prove that conclusively. Therefore, this variant has been classified as Likely Pathogenic.

Natera, Inc.
Classification: Likely pathogenic for Canavan Disease. Last evaluated: 2024-11-07. Review status: criteria provided, single submitter. Criteria: Natera Variant Classification Schema (03/2026). Collection method: clinical testing. Allele origin: germline.
Comment: The c.731A>T variant in ASPA is a missense variant predicted to cause substitution of histidine to leucine at amino acid 244. This variant is rare in the general population with a frequency below the threshold expected for the associated phenotype(s). This variant has been observed in one or more individuals affected with the associated recessive disease, as either homozygous or compound heterozygous with a second variant (PMID: 16854607). A different variant at the same position has been determined to be Pathogenic or Likely Pathogenic. Computational prediction algorithms indicate this variant is likely to affect gene or protein function. Given the available evidence, this variant is classified as Likely Pathogenic.

GeneDx
Classification: Likely pathogenic. Last evaluated: 2023-05-31. Review status: criteria provided, single submitter. Criteria: GeneDx Variant Classification Process June 2021. Collection method: clinical testing. Allele origin: germline. Affected: yes.
Comment: Not observed at significant frequency in large population cohorts (gnomAD); In silico analysis supports that this missense variant has a deleterious effect on protein structure/function; This variant is associated with the following publications: (PMID: 16854607)

Baylor Genetics
Classification: Likely pathogenic for Spongy degeneration of central nervous system. Last evaluated: 2023-01-25. Review status: criteria provided, single submitter. Criteria: ACMG Guidelines, 2015. Collection method: clinical testing. Allele origin: unknown.

Women's Health and Genetics/Laboratory Corporation of America, LabCorp
Classification: Uncertain significance. Last evaluated: 2023-01-16. Review status: criteria provided, single submitter. Criteria: LabCorp Variant Classification Summary - May 2015. Collection method: clinical testing. Allele origin: germline.
Comment: Variant summary: ASPA c.731A>T (p.His244Leu) results in a non-conservative amino acid change in the encoded protein sequence. Five of five in-silico tools predict a damaging effect of the variant on protein function. The variant was absent in 251220 control chromosomes (gnomAD). The available data on variant occurrences in the general population are insufficient to allow any conclusion about variant significance. c.731A>T has been reported in the literature in at least one compound heterozygous individual affected with Canavan Disease (Zeng_2006). These data do not allow any conclusion about variant significance. To our knowledge, no experimental evidence demonstrating an impact on protein function has been reported. No clinical diagnostic laboratories have submitted clinical-significance assessments for this variant to ClinVar after 2014. Based on the evidence outlined above, the variant was classified as uncertain significance.

Literature cited by the submitters: PubMed 16854607 (cited by 3 submitters); PubMed 12638939 (cited by Labcorp Genetics (formerly Invitae), Labcorp).